The following is an entry in ClinVar:

ClinVar aggregate classification (germline): Uncertain significance (1 of 4 stars; one submission).

Allele frequency attached by ClinVar (database versions not stated): gnomAD exomes below 0.00001; TOPMed below 0.00001.
gnomAD v4.1: 2 of 1,613,356 alleles (0.00012%); highest among the groups gnomAD compares: Admixed American, 0.0017%; no homozygotes.

Submission:

Labcorp Genetics (formerly Invitae), Labcorp
Classification: Uncertain significance. Last evaluated: 2023-12-21. Review status: criteria provided, single submitter. Criteria: Invitae Variant Classification Sherloc (09022015). Collection method: clinical testing. Allele origin: germline.
Comment: This sequence change replaces isoleucine, which is neutral and non-polar, with threonine, which is neutral and polar, at codon 36 of the KRT10 protein (p.Ile36Thr). This variant is present in population databases (no rsID available, gnomAD 0.003%). This variant has not been reported in the literature in individuals affected with KRT10-related conditions. Advanced modeling of protein sequence and biophysical properties (such as structural, functional, and spatial information, amino acid conservation, physicochemical variation, residue mobility, and thermodynamic stability) performed at Invitae indicates that this missense variant is not expected to disrupt KRT10 protein function with a negative predictive value of 80%. In summary, the available evidence is currently insufficient to determine the role of this variant in disease. Therefore, it has been classified as a Variant of Uncertain Significance.

NM_000421.5(KRT10):c.107T>C (p.Ile36Thr)

Genes: KRT10 (keratin 10; minus strand), KRT10-AS1 (KRT10 antisense RNA 1; plus strand). Cytogenetic location: 17q21.2.
Variant type: single nucleotide variant.
Coding change: c.107T>C on transcript NM_000421.5 (MANE Select); coding-DNA position 107, T replaced by C.
Protein change: p.Ile36Thr; replaces isoleucine 36 with threonine.
Molecular consequence: missense variant.
Genome position (GRCh38, 1-based): chr17:40,822,479, A>G on the plus strand (T>C on the coding strand, the complement: KRT10 is on the minus strand). VCF-style: chr17-40822479-A-G. GRCh37 (hg19) VCF-style: chr17-38978731-A-G.
Other names: c.107T>C, p.Ile36Thr (NM_001379366.1); short protein forms I36T.
Identifiers: ClinVar variation 2827038 (VCV002827038.3), dbSNP rs1158516720, ClinGen allele CA399396617.